The following is an entry in ClinVar:

NM_004341.5(CAD):c.6061G>A (p.Val2021Ile)

Gene: CAD (carbamoyl-phosphate synthetase 2, aspartate transcarbamylase, and dihydroorotase; plus strand). Cytogenetic location: 2p23.3.
Variant type: single nucleotide variant.
Coding change: c.6061G>A on transcript NM_004341.5 (MANE Select); coding-DNA position 6061, G replaced by A.
Protein change: p.Val2021Ile; replaces valine 2021 with isoleucine.
Molecular consequence: missense variant.
Genome position (GRCh38, 1-based): chr2:27,242,088, G>A. VCF-style: chr2-27242088-G-A. GRCh37 (hg19) VCF-style: chr2-27464956-G-A.
Other names: c.5872G>A, p.Val1958Ile (NM_001306079.2); short protein forms V1958I, V2021I.
Identifiers: ClinVar variation 1703916 (VCV001703916.3), dbSNP rs762035791, ClinGen allele CA1574093.

ClinVar aggregate classification (germline): Uncertain significance (1 of 4 stars; one submission).

Allele frequency attached by ClinVar (database versions not stated): ExAC 0.00001; gnomAD 0.00001; gnomAD exomes 0.00001; TOPMed 0.00001.
gnomAD v4.1: 21 of 1,613,030 alleles (0.0013%); highest among the groups gnomAD compares: Non-Finnish European, 0.0015%; no homozygotes.

Submission:

GeneDx
Classification: Uncertain significance. Last evaluated: 2024-11-25. Review status: criteria provided, single submitter. Criteria: GeneDx Variant Classification Process June 2021. Collection method: clinical testing. Allele origin: germline. Affected: yes.
Comment: Not observed at significant frequency in large population cohorts (gnomAD); In silico analysis indicates that this missense variant does not alter protein structure/function; Has not been previously published as pathogenic or benign to our knowledge